The following is an entry in ClinVar:

ClinVar aggregate classification (germline): Uncertain significance (1 of 4 stars; one submission).

Conditions:
Inborn genetic diseases. Identifiers: MedGen C0950123, MeSH D030342.

Submission:

Ambry Genetics
Classification: Uncertain significance for Inborn genetic diseases. Last evaluated: 2024-09-05. Review status: criteria provided, single submitter. Criteria: Ambry Variant Classification Scheme 2023. Collection method: clinical testing. Allele origin: germline.
Comment: The p.E776K variant (also known as c.2326G>A), located in coding exon 18 of the BUB1B gene, results from a G to A substitution at nucleotide position 2326. The glutamic acid at codon 776 is replaced by lysine, an amino acid with similar properties. This amino acid position is conserved. In addition, this alteration is predicted to be tolerated by in silico analysis. Based on the available evidence, the clinical significance of this variant remains unclear.

NM_001211.6(BUB1B):c.2326G>A (p.Glu776Lys)

Gene: BUB1B (BUB1 mitotic checkpoint serine/threonine kinase B; plus strand). Cytogenetic location: 15q15.1.
Variant type: single nucleotide variant.
Coding change: c.2326G>A on transcript NM_001211.6 (MANE Select); coding-DNA position 2326, G replaced by A.
Protein change: p.Glu776Lys; replaces glutamic acid 776 with lysine.
Molecular consequence: missense variant.
Genome position (GRCh38, 1-based): chr15:40,210,151, G>A. VCF-style: chr15-40210151-G-A. GRCh37 (hg19) VCF-style: chr15-40502352-G-A.
Other names: short protein forms E776K.
Identifiers: ClinVar variation 3483186 (VCV003483186.1).